The following is an entry in ClinVar:

NM_016203.4(PRKAG2):c.946+3A>G

Gene: PRKAG2 (protein kinase AMP-activated non-catalytic subunit gamma 2; minus strand). Cytogenetic location: 7q36.1.
Variant type: single nucleotide variant.
Coding change: c.946+3A>G on transcript NM_016203.4 (MANE Select); 3 bases into the intron after coding-DNA position 946, A replaced by G.
Molecular consequence: intron variant.
Genome position (GRCh38, 1-based): chr7:151,576,368, T>C on the plus strand (A>G on the coding strand, the complement: PRKAG2 is on the minus strand). VCF-style: chr7-151576368-T-C. GRCh37 (hg19) VCF-style: chr7-151273454-T-C.
Other names: c.814+3A>G (NM_001040633.2); c.571+3A>G (NM_001304527.2); c.574+3A>G (NM_001363698.2); c.223+3A>G (NM_001304531.2, NM_024429.2).
Identifiers: ClinVar variation 181475 (VCV000181475.26), dbSNP rs376173303, ClinGen allele CA014671.

ClinVar aggregate classification (germline): Conflicting classifications of pathogenicity. Review status: criteria provided, conflicting classifications (1 of 4 stars). 8 submissions from 8 submitters: Uncertain significance (1); Benign (3); Likely benign (4). Last evaluated 2026-01-14.

Conditions:
PRKAG2-related disorder. Also called: PRKAG2-related disorders; PRKAG2-related condition.
Cardiovascular phenotype. Identifiers: MedGen CN230736.
Cardiomyopathy (CMYO). Also called: Cardiomyopathies. Identifiers: Orphanet 167848, MedGen C0878544, MONDO:0004994, HP:0001638. Inheritance: Various modes of inheritance.
Lethal congenital glycogen storage disease of heart. Also called: GLYCOGEN STORAGE DISEASE OF HEART; PHOSPHORYLASE KINASE DEFICIENCY OF HEART. Identifiers: Orphanet 439854, MedGen C1849813, MONDO:0009867, OMIM 261740.

Allele frequency attached by ClinVar (database versions not stated): gnomAD exomes 0.00004 and 0.00012; ExAC 0.00013; ESP Exome Variant Server 0.00038; gnomAD 0.00038 and 0.00041; 1000 Genomes Project 0.00040; TOPMed 0.00042; 1000 Genomes Project 30x 0.00047.
gnomAD v4.1: 121 of 1,595,558 alleles (0.0076%); highest among the groups gnomAD compares: African/African-American, 0.15%; no homozygotes.

Submissions (8):

Labcorp Genetics (formerly Invitae), Labcorp
Classification: Likely benign for Lethal congenital glycogen storage disease of heart. Last evaluated: 2026-01-14. Review status: criteria provided, single submitter. Criteria: Invitae Variant Classification Sherloc (09022015). Collection method: clinical testing. Allele origin: germline.

PreventionGenetics, part of Exact Sciences
Classification: Likely benign for PRKAG2-related condition. Last evaluated: 2025-04-04. Review status: criteria provided, single submitter. Criteria: ACMG Guidelines, 2015. Collection method: clinical testing. Allele origin: germline.
Comment: This variant is classified as likely benign based on ACMG/AMP sequence variant interpretation guidelines (Richards et al. 2015 PMID: 25741868, with internal and published modifications).

GeneDx
Classification: Likely benign. Last evaluated: 2020-10-28. Review status: criteria provided, single submitter. Criteria: GeneDx Variant Classification Process June 2021. Collection method: clinical testing. Allele origin: germline. Affected: yes.

Women's Health and Genetics/Laboratory Corporation of America, LabCorp
Classification: Benign. Last evaluated: 2020-09-24. Review status: criteria provided, single submitter. Criteria: LabCorp Variant Classification Summary - May 2015. Collection method: clinical testing. Allele origin: germline.
Comment: Variant summary: PRKAG2 c.946+3A>G alters a non-conserved nucleotide located close to a canonical splice site and therefore could affect mRNA splicing, leading to a significantly altered protein sequence. 4/4 computational tools predict no significant impact on normal splicing. However, these predictions have yet to be confirmed by functional studies. The variant allele was found at a frequency of 0.00012 in 250172 control chromosomes. The observed variant frequency is approximately 9.6 fold of the estimated maximal expected allele frequency for a pathogenic variant in PRKAG2 causing Hypertrophic Cardiomyopathy With Wolff-Parkinson-White phenotype (1.3e-05), strongly suggesting that the variant is benign. To our knowledge, no occurrence of c.946+3A>G in individuals affected with Hypertrophic Cardiomyopathy With Wolff-Parkinson-White and no experimental evidence demonstrating its impact on protein function have been reported. Five clinical diagnostic laboratories have submitted clinical-significance assessments for this variant to ClinVar after 2014 without evidence for independent evaluation (likely benign, n=2, benign, n=2, VUS, n=1). Based on the evidence outlined above, the variant was classified as benign.

Ambry Genetics
Classification: Likely benign for Cardiovascular phenotype. Last evaluated: 2019-01-25. Review status: criteria provided, single submitter. Criteria: Ambry Variant Classification Scheme 2023. Collection method: clinical testing. Allele origin: germline.

Color Diagnostics, LLC DBA Color Health
Classification: Benign for Cardiomyopathy. Last evaluated: 2019-01-07. Review status: criteria provided, single submitter. Criteria: ACMG Guidelines, 2015. Collection method: clinical testing. Allele origin: germline.

CHEO Genetics Diagnostic Laboratory, Children's Hospital of Eastern Ontario
Classification: Benign for Cardiomyopathy. Last evaluated: 2017-11-21. Review status: criteria provided, single submitter. Criteria: ACMG Guidelines, 2015. Collection method: clinical testing. Allele origin: germline.

Laboratory for Molecular Medicine, Mass General Brigham Personalized Medicine
Classification: Uncertain significance. Last evaluated: 2015-11-09. Review status: criteria provided, single submitter. Criteria: LMM Criteria. Collection method: clinical testing. Allele origin: germline. Observed: 1 variant allele.
Comment: Variant classified as Uncertain Significance - Favor Benign. The c.946+3A>G vari ant in PRKAG2 has not been previously reported in individuals with cardiomyopath y, but has been identified in 0.15% (14/9194) of African chromosomes by the Exom e Aggregation Consortium (ExAC; dbSNP rs37617330 3). This variant is located in the 5' splice region. Computational tools do not suggest an impact to splicing. However, this information is not predictive enoug h to rule out pathogenicity. In summary, while the clinical significance of the c.946+3A>G variant is uncertain, these data suggest that it is more likely to be benign.